The following is an entry in ClinVar:

ClinVar aggregate classification (germline): Uncertain significance (1 of 4 stars; one submission).

Submission:

GeneDx
Classification: Uncertain significance. Last evaluated: 2025-03-12. Review status: criteria provided, single submitter. Criteria: GeneDx Variant Classification Process June 2021. Collection method: clinical testing. Allele origin: germline. Affected: yes.
Comment: Not observed at significant frequency in large population cohorts (gnomAD); In silico analysis supports that this missense variant has a deleterious effect on protein structure/function; Has not been previously published as pathogenic or benign to our knowledge

NM_207034.3(EDN3):c.86G>A (p.Gly29Asp)

Gene: EDN3 (endothelin 3; plus strand). Cytogenetic location: 20q13.32.
Variant type: single nucleotide variant.
Coding change: c.86G>A on transcript NM_207034.3 (MANE Select); coding-DNA position 86, G replaced by A.
Protein change: p.Gly29Asp; replaces glycine 29 with aspartic acid.
Molecular consequence: missense variant.
Genome position (GRCh38, 1-based): chr20:59,301,443, G>A. VCF-style: chr20-59301443-G-A. GRCh37 (hg19) VCF-style: chr20-57876498-G-A.
Other names: c.86G>A, p.Gly29Asp (NM_001302455.2, NM_001302456.2, NM_001424361.1 and 4 more transcripts); short protein forms G29D.
Identifiers: ClinVar variation 4083200 (VCV004083200.1).
Genomic context (GRCh38, chr20:59,301,443, plus strand): 5'-AGGAGCCCCTCAATCTGCCTTCTGCAGGATTCGTGCCTTGCTCCCAGTCTGGGGATGCTG[G>A]CAGGCGCGGCGTGTCCCAGGCCCCCACTGCAGCCAGATCTGAGGGGGACTGTGAAGAGAC-3'
Protein context (NP_996917.1, residues 19-39): FVPCSQSGDA[Gly29Asp]RRGVSQAPTA